The following is an entry in ClinVar:

ClinVar aggregate classification (germline): Uncertain significance (1 of 4 stars; one submission).

Allele frequency attached by ClinVar (database versions not stated): gnomAD exomes below 0.00001.

Submission:

Labcorp Genetics (formerly Invitae), Labcorp
Classification: Uncertain significance. Last evaluated: 2024-10-16. Review status: criteria provided, single submitter. Criteria: Invitae Variant Classification Sherloc (09022015). Collection method: clinical testing. Allele origin: germline.
Comment: This sequence change replaces leucine, which is neutral and non-polar, with phenylalanine, which is neutral and non-polar, at codon 85 of the NKX6-2 protein (p.Leu85Phe). This variant is not present in population databases (gnomAD no frequency). This variant has not been reported in the literature in individuals affected with NKX6-2-related conditions. ClinVar contains an entry for this variant (Variation ID: 1476882). Invitae Evidence Modeling of protein sequence and biophysical properties (such as structural, functional, and spatial information, amino acid conservation, physicochemical variation, residue mobility, and thermodynamic stability) indicates that this missense variant is not expected to disrupt NKX6-2 protein function with a negative predictive value of 80%. In summary, the available evidence is currently insufficient to determine the role of this variant in disease. Therefore, it has been classified as a Variant of Uncertain Significance.

NM_177400.3(NKX6-2):c.253C>T (p.Leu85Phe)

Gene: NKX6-2 (NK6 homeobox 2; minus strand). Cytogenetic location: 10q26.3.
Variant type: single nucleotide variant.
Coding change: c.253C>T on transcript NM_177400.3 (MANE Select); coding-DNA position 253, C replaced by T.
Protein change: p.Leu85Phe; replaces leucine 85 with phenylalanine.
Molecular consequence: missense variant.
Genome position (GRCh38, 1-based): chr10:132,785,696, G>A on the plus strand (C>T on the coding strand, the complement: NKX6-2 is on the minus strand). VCF-style: chr10-132785696-G-A. GRCh37 (hg19) VCF-style: chr10-134599200-G-A.
Other names: short protein forms L85F.
Identifiers: ClinVar variation 1476882 (VCV001476882.8), dbSNP rs2134706971, ClinGen allele CA378771432.